The following is an entry in ClinVar:

NM_000059.4(BRCA2):c.3164_3173delinsTTTG (p.Asn1055_Lys1058delinsIleTer)

Gene: BRCA2 (BRCA2 DNA repair associated; plus strand). Cytogenetic location: 13q13.1.
Variant type: Indel.
Coding change: c.3164_3173delinsTTTG on transcript NM_000059.4 (MANE Select); coding-DNA positions 3164 to 3173, ATCAAAAGAA replaced by TTTG.
Protein change: p.Asn1055_Lys1058delinsIleTer.
Molecular consequence: nonsense. On other transcripts: non-coding transcript variant (1), intron variant (2).
Genome position (GRCh38, 1-based): chr13:32,337,519-32,337,528, ATCAAAAGAA replaced by TTTG. VCF-style: chr13-32337519-ATCAAAAGAA-TTTG. GRCh37 (hg19) VCF-style: chr13-32911656-ATCAAAAGAA-TTTG.
Other names: c.3164_3173delinsTTTG, p.Asn1055_Lys1058delinsIleTer (NM_001406719.1, NM_001406720.1, NM_001432077.1); c.1909+4132_1909+4141delinsTTTG (NM_001406721.1); c.424+6489_424+6498delinsTTTG (NM_001406722.1).
Identifiers: ClinVar variation 3774434 (VCV003774434.1).

ClinVar aggregate classification (germline): Pathogenic (1 of 4 stars; one submission).

Conditions:
Hereditary cancer-predisposing syndrome. Also called: Tumor predisposition; Hereditary Cancer Syndrome; Neoplastic Syndromes, Hereditary; Hereditary neoplastic syndrome. Identifiers: Orphanet 140162, MedGen C0027672, MeSH D009386, MONDO:0015356.

Submission:

Molecular Diagnostics Laboratory, Catalan Institute of Oncology
Classification: Pathogenic for Hereditary cancer-predisposing syndrome. Last evaluated: 2024-09-15. Review status: criteria provided, single submitter. Criteria: ClinGen BRCA1BRCA2 ACMG Specifications BRCA2 V1.0.0. Collection method: clinical testing. Allele origin: germline.
Comment: PVS1, PM5_PTC_Strong The variant c.3164_3173delinsTTTG, located in exon 11 of the BRCA2 gene, consists in the substitution of 10 nucleotides from position 3164 to 3173 and the insertion of 4 nucleotides causing a premature protein truncation and nonsense-mediated mRNA decay; p.(Asn1055_Lys1058delinsIleTer) (PVS1, PM5_PTC_Strong). Acording to predictors, it is not expected to alter splicing. It is not present in the population database gnomAD v2.1.1, non cancer dataset. This variant has not been reported neither in ENIGMA, nor in ClinVar, nor LOVD databases. Based on currently available information, c.3164_3173delinsTTTG is classified as a pathogenic variant according to ClinGen-BRCA1 and BRCA2 Guidelines version 1.0.0.